The following is an entry in ClinVar:

ClinVar aggregate classification (germline): Uncertain significance (1 of 4 stars; one submission).

Conditions:
NFE2L2-related disorder. Also called: NFE2L2-related condition.

Submission:

PreventionGenetics, part of Exact Sciences
Classification: Uncertain significance for NFE2L2-related condition. Last evaluated: 2025-10-21. Review status: criteria provided, single submitter. Criteria: ACMG Guidelines, 2015. Collection method: clinical testing. Allele origin: germline.
Comment: The NFE2L2 c.1723C>T variant is predicted to result in the amino acid substitution p.Pro575Ser. To our knowledge, this variant has not been reported in the literature or in a large population database (gnomAD), indicating this variant is rare. At this time, the clinical significance of this variant is uncertain due to the absence of conclusive functional and genetic evidence.

NM_006164.5(NFE2L2):c.1723C>T (p.Pro575Ser)

Gene: NFE2L2 (NFE2 like bZIP transcription factor 2; minus strand). Cytogenetic location: 2q31.2.
Variant type: single nucleotide variant.
Coding change: c.1723C>T on transcript NM_006164.5 (MANE Select); coding-DNA position 1723, C replaced by T.
Protein change: p.Pro575Ser; replaces proline 575 with serine.
Molecular consequence: missense variant.
Genome position (GRCh38, 1-based): chr2:177,230,880, G>A on the plus strand (C>T on the coding strand, the complement: NFE2L2 is on the minus strand). VCF-style: chr2-177230880-G-A. GRCh37 (hg19) VCF-style: chr2-178095608-G-A.
Other names: c.1675C>T, p.Pro559Ser (NM_001145412.3, NM_001313900.1, NM_001313901.1); c.1654C>T, p.Pro552Ser (NM_001145413.3); c.1633C>T, p.Pro545Ser (NM_001313902.2); c.1504C>T, p.Pro502Ser (NM_001313903.2); c.1423C>T, p.Pro475Ser (NM_001313904.1); short protein forms P475S, P502S, P545S, P552S, P575S, P559S.
Identifiers: ClinVar variation 4992610 (VCV004992610.1).